The following is an entry in ClinVar:

ClinVar aggregate classification (germline): Uncertain significance (1 of 4 stars; one submission).

Conditions:
Erythrocytosis, familial, 6. Also called: ERYTHROCYTOSIS, BETA-GLOBIN TYPE; POLYCYTHEMIA, BETA-GLOBIN TYPE. Identifiers: MedGen C4693822, MONDO:0054801, OMIM 617980.

Submission:

Neuberg Centre For Genomic Medicine, NCGM
Classification: Uncertain significance for Erythrocytosis, familial, 6. Review status: criteria provided, single submitter. Criteria: ACMG Guidelines, 2015. Collection method: clinical testing. Allele origin: germline. Inheritance: Autosomal dominant inheritance. Affected: yes.
Comment: The indel variant c.421_422delGCinsAT (p.Ala141Ile) in HBB gene has not been reported previously as a pathogenic variant nor as a benign variant, to our knowledge. The variant is not reported in ClinVar database. The p.Ala141Ile variant is novel (not in any individuals) in gnomAD Exomes and 1000 Genomes. For these reasons, this variant has been classified as Uncertain significance.

NM_000518.5(HBB):c.421_422delinsAT (p.Ala141Ile)

Genes: HBB (hemoglobin subunit beta; minus strand), LOC107133510 (origin of replication at HBB; plus strand), LOC110006319 (beta-globin gene 3' regulatory region; plus strand). Cytogenetic location: 11p15.4.
Variant type: Indel.
Coding change: c.421_422delinsAT on transcript NM_000518.5 (MANE Select); coding-DNA positions 421 to 422, GC replaced by AT.
Protein change: p.Ala141Ile; replaces alanine 141 with isoleucine.
Molecular consequence: missense variant.
Genome position (GRCh38, 1-based): chr11:5,225,620-5,225,621, GC replaced by AT on the plus strand (GC replaced by AT on the coding strand, the reverse complement: HBB is on the minus strand). VCF-style: chr11-5225620-GC-AT. GRCh37 (hg19) VCF-style: chr11-5246850-GC-AT.
Other names: c.421_422delGCinsAT (NM_000518.5); short protein forms A141I.
Identifiers: ClinVar variation 2585253 (VCV002585253.1), dbSNP rs2494291897, ClinGen allele CA2582341861.